The following is an entry in ClinVar:

ClinVar aggregate classification (germline): Pathogenic (1 of 4 stars; one submission).

Conditions:
Inborn genetic diseases. Identifiers: MedGen C0950123, MeSH D030342.

Submission:

Ambry Genetics
Classification: Pathogenic for Inborn genetic diseases. Last evaluated: 2026-07-14. Review status: criteria provided, single submitter. Criteria: Ambry Variant Classification Scheme 2023. Collection method: clinical testing. Allele origin: germline.
Comment: The c.111_113delCCT (p.L39del) variant, located in exon 1 (coding exon 1) of the GNAO1 gene, results from an in-frame deletion of 3 nucleotides at positions c.111 to c.113. This results in the deletion of a leucine residue at codon 39. This variant was not reported in population-based cohorts in the Genome Aggregation Database (gnomAD). This variant was reported in individual(s) with features consistent with GNAO1-related neurologic disorder; in at least one individual, it was determined to be de novo (Ben Said, 2024; DECIPHER, patient 264206). This amino acid position is highly conserved in available vertebrate species. This variant is predicted to be deleterious by in silico analysis (Choi, 2012). Based on the available evidence, this alteration is classified as pathogenic.

Literature cited by the submitters: PubMed 37867425.

NM_020988.3(GNAO1):c.111_113del (p.Leu39del)

Gene: GNAO1 (G protein subunit alpha o1; plus strand). Cytogenetic location: 16q13.
Variant type: Deletion.
Coding change: c.111_113del on transcript NM_020988.3 (MANE Select); coding-DNA positions 111 to 113, 3 bases deleted (CCT; older notation c.111_113delCCT).
Protein change: p.Leu39del; deletes leucine 39.
Genome position (GRCh38, 1-based): chr16:56,192,346-56,192,348, CCT deleted; deleting any 3 consecutive bases within chr16:56,192,344-56,192,348 gives the same sequence; the c. name uses the placement nearest the transcript's 3' end. VCF-style (leftmost placement, unchanged base first): chr16-56192343-ACTC-A. GRCh37 (hg19) VCF-style: chr16-56226255-ACTC-A.
Other names: c.111_113del, p.Leu39del (NM_138736.3); short protein forms L39del.
Identifiers: ClinVar variation 5022456 (VCV005022456.1).
Genomic context (GRCh38, chr16:56,192,343, plus strand): 5'-CAAGGCGATTGAGAAAAACCTCAAAGAGGATGGCATCAGCGCCGCCAAAGACGTGAAATT[ACTC>A]CTGCTCGGTAAGGACCGCCGCTGCTACCCCCATCCCCCGACCCCGGCCACTCCGCACCCC-3'